The following is an entry in ClinVar:

ClinVar aggregate classification (germline): Likely benign (0 of 4 stars; one submission).

Conditions:
SHROOM2-related disorder. Also called: SHROOM2-related condition.

Allele frequency attached by ClinVar (database versions not stated): 1000 Genomes Project 30x 0.00021; 1000 Genomes Project 0.00026; TOPMed 0.00037; gnomAD 0.00047; gnomAD exomes 0.00069; ExAC 0.00094; ESP Exome Variant Server 0.00123.
gnomAD v4.1: 795 of 1,211,250 alleles (0.066%); highest among the groups gnomAD compares: Non-Finnish European, 0.084%; 1 homozygote.

Submission:

PreventionGenetics, part of Exact Sciences
Classification: Likely benign for SHROOM2-related condition. Last evaluated: 2019-09-24. Review status: no assertion criteria provided. Collection method: clinical testing. Allele origin: germline.
Comment: This variant is classified as likely benign based on ACMG/AMP sequence variant interpretation guidelines (Richards et al. 2015 PMID: 25741868, with internal and published modifications).

NM_001649.4(SHROOM2):c.4464C>T (p.Phe1488=)

Gene: SHROOM2 (shroom family member 2; plus strand). Cytogenetic location: Xp22.2.
Variant type: single nucleotide variant.
Coding change: c.4464C>T on transcript NM_001649.4 (MANE Select); coding-DNA position 4464, C replaced by T.
Protein change: p.Phe1488=; no amino-acid change (phenylalanine 1488 retained).
Molecular consequence: synonymous variant.
Genome position (GRCh38, 1-based): chrX:9,944,793, C>T. VCF-style: chrX-9944793-C-T. GRCh37 (hg19) VCF-style: chrX-9912833-C-T.
Other names: c.969C>T, p.Phe323= (NM_001320663.2); c.966C>T, p.Phe322= (NM_001320664.2).
Identifiers: ClinVar variation 3050847 (VCV003050847.2), dbSNP rs143951833, ClinGen allele CA10345971.